The following is an entry in ClinVar:

ClinVar aggregate classification (germline): Benign/Likely benign. Review status: criteria provided, multiple submitters, no conflicts (2 of 4 stars). 4 submissions from 4 submitters: Benign (1); Likely benign (3). Last evaluated 2026-07-08.

Conditions:
Hereditary cancer-predisposing syndrome. Also called: Tumor predisposition; Neoplastic Syndromes, Hereditary; Hereditary Cancer Syndrome; Hereditary neoplastic syndrome. Identifiers: Orphanet 140162, MedGen C0027672, MeSH D009386, MONDO:0015356.
Intellectual disability, autosomal dominant 16 (CSS4). Also called: COFFIN-SIRIS SYNDROME 4. Identifiers: Orphanet 1465, MedGen C3553249, MONDO:0013821, OMIM 614609.
Rhabdoid tumor predisposition syndrome 2 (RTPS2). Identifiers: Orphanet 231108, Orphanet 69077, MedGen C2750074, MONDO:0013224, OMIM 613325.

Allele frequency attached by ClinVar (database versions not stated): TOPMed 0.00001; ESP Exome Variant Server 0.00008.

Submissions (4):

Myriad Genetics, Inc.
Classification: Benign for Rhabdoid tumor predisposition syndrome 2. Last evaluated: 2026-07-08. Review status: criteria provided, single submitter. Criteria: Myriad Autosomal Dominant, Autosomal Recessive and X-Linked Classification Criteria (2023). Collection method: clinical testing. Allele origin: unknown.
Comment: This variant is considered benign. This variant is a silent/synonymous amino acid change and it is not expected to impact splicing.

Labcorp Genetics (formerly Invitae), Labcorp
Classification: Likely benign for Rhabdoid tumor predisposition syndrome 2. Last evaluated: 2025-08-28. Review status: criteria provided, single submitter. Criteria: Invitae Variant Classification Sherloc (09022015). Collection method: clinical testing. Allele origin: germline.

Genome-Nilou Lab
Classification: Likely benign for Intellectual disability, autosomal dominant 16. Last evaluated: 2021-07-15. Review status: criteria provided, single submitter. Criteria: ACMG Guidelines, 2015. Collection method: clinical testing. Allele origin: germline. Affected: no.

Ambry Genetics
Classification: Likely benign for Hereditary cancer-predisposing syndrome. Last evaluated: 2016-03-04. Review status: criteria provided, single submitter. Criteria: Ambry Variant Classification Scheme 2023. Collection method: clinical testing. Allele origin: germline.

NM_003072.5(SMARCA4):c.450A>T (p.Gly150=)

Gene: SMARCA4 (SWI/SNF related BAF chromatin remodeling complex subunit ATPase 4; plus strand). Cytogenetic location: 19p13.2.
Variant type: single nucleotide variant.
Coding change: c.450A>T on transcript NM_003072.5 (MANE Select); coding-DNA position 450, A replaced by T.
Protein change: p.Gly150=; no amino-acid change (glycine 150 retained).
Molecular consequence: synonymous variant. On other transcripts: non-coding transcript variant (1).
Genome position (GRCh38, 1-based): chr19:10,986,283, A>T. VCF-style: chr19-10986283-A-T. GRCh37 (hg19) VCF-style: chr19-11096959-A-T.
Other names: c.450A>T, p.Gly150= (NM_001128844.3, NM_001128845.2, NM_001128846.2 and 5 more transcripts).
Identifiers: ClinVar variation 480612 (VCV000480612.17), dbSNP rs369026160, ClinGen allele CA305286649.